The following is an entry in ClinVar:

ClinVar aggregate classification (germline): Uncertain significance. Review status: criteria provided, multiple submitters, no conflicts (2 of 4 stars). 2 submissions from 2 submitters: Uncertain significance (2). Last evaluated 2026-01-16.

Conditions:
Birt-Hogg-Dube syndrome. Also called: Birt Hogg Dubé syndrome. Identifiers: Orphanet 122, MedGen C0346010, MONDO:0800444.
Hereditary cancer-predisposing syndrome. Also called: Hereditary Cancer Syndrome; Tumor predisposition; Neoplastic Syndromes, Hereditary; Hereditary neoplastic syndrome. Identifiers: Orphanet 140162, MedGen C0027672, MeSH D009386, MONDO:0015356.

Submissions (2):

Ambry Genetics
Classification: Uncertain significance for Hereditary cancer-predisposing syndrome. Last evaluated: 2026-01-16. Review status: criteria provided, single submitter. Criteria: Ambry Variant Classification Scheme 2023. Collection method: clinical testing. Allele origin: germline.
Comment: The p.I158V variant (also known as c.472A>G), located in coding exon 3 of the FLCN gene, results from an A to G substitution at nucleotide position 472. The isoleucine at codon 158 is replaced by valine, an amino acid with highly similar properties. This amino acid position is highly conserved in available vertebrate species. In addition, the in silico prediction for this alteration is inconclusive. Based on the available evidence, the clinical significance of this variant remains unclear.

Labcorp Genetics (formerly Invitae), Labcorp
Classification: Uncertain significance for Birt-Hogg-Dube syndrome. Last evaluated: 2019-12-31. Review status: criteria provided, single submitter. Criteria: Invitae Variant Classification Sherloc (09022015). Collection method: clinical testing. Allele origin: germline.
Comment: In summary, the available evidence is currently insufficient to determine the role of this variant in disease. Therefore, it has been classified as a Variant of Uncertain Significance. Algorithms developed to predict the effect of missense changes on protein structure and function (SIFT, PolyPhen-2, Align-GVGD) all suggest that this variant is likely to be tolerated, but these predictions have not been confirmed by published functional studies and their clinical significance is uncertain. This variant has not been reported in the literature in individuals with FLCN-related conditions. This variant is not present in population databases (ExAC no frequency). This sequence change replaces isoleucine with valine at codon 158 of the FLCN protein (p.Ile158Val). The isoleucine residue is highly conserved and there is a small physicochemical difference between isoleucine and valine.

NM_144997.7(FLCN):c.472A>G (p.Ile158Val)

Gene: FLCN (folliculin; minus strand). Cytogenetic location: 17p11.2.
Variant type: single nucleotide variant.
Coding change: c.472A>G on transcript NM_144997.7 (MANE Select); coding-DNA position 472, A replaced by G.
Protein change: p.Ile158Val; replaces isoleucine 158 with valine.
Molecular consequence: missense variant.
Genome position (GRCh38, 1-based): chr17:17,224,068, T>C on the plus strand (A>G on the coding strand, the complement: FLCN is on the minus strand). VCF-style: chr17-17224068-T-C. GRCh37 (hg19) VCF-style: chr17-17127382-T-C.
Other names: c.526A>G, p.Ile176Val (NM_001353229.2); c.472A>G, p.Ile158Val (NM_001353230.2, NM_001353231.2, NM_144606.7); short protein forms I158V, I176V.
Identifiers: ClinVar variation 860527 (VCV000860527.8), dbSNP rs2047178671, ClinGen allele CA398534483.